The following is an entry in ClinVar:

ClinVar aggregate classification (germline): Likely benign. Review status: criteria provided, multiple submitters, no conflicts (2 of 4 stars). 4 submissions from 3 submitters: Likely benign (3). 1 of the submissions does not count toward it. Last evaluated 2017-04-27.

Conditions:
Charcot-Marie-Tooth disease, type I (CMT1). Also called: Charcot-Marie-Tooth, Type 1; Charcot-Marie-Tooth disease type 1. Identifiers: Orphanet 65753, MedGen C0751036, MONDO:0019011.
Hereditary liability to pressure palsies (HNPP). Also called: POLYNEUROPATHY, FAMILIAL RECURRENT; TOMACULOUS NEUROPATHY; Hereditary Neuropathy with Liability to Pressure Palsies. Identifiers: Orphanet 640, MedGen C0393814, MONDO:0008087, OMIM 162500.

Allele frequency attached by ClinVar (database versions not stated): gnomAD 0.00204; TOPMed 0.00270; 1000 Genomes Project 30x 0.00312; 1000 Genomes Project 0.00319.

Submissions (4):

Illumina Laboratory Services, Illumina
Classification: Likely benign for Charcot-Marie-Tooth disease, type I. Last evaluated: 2017-04-27. Review status: criteria provided, single submitter. Criteria: ICSL Variant Classification Criteria 13 December 2019. Collection method: clinical testing. Allele origin: germline.
Comment: This variant was observed as part of a predisposition screen in an ostensibly healthy population. A literature search was performed for the gene, cDNA change, and amino acid change (where applicable). Publications were found based on this search. The evidence from the literature, in combination with allele frequency data from public databases where available, was sufficient to determine this variant is unlikely to cause disease. Therefore, this variant is classified as likely benign.

Illumina Laboratory Services, Illumina
Classification: Likely benign for Hereditary liability to pressure palsies. Last evaluated: 2017-04-27. Review status: criteria provided, single submitter. Criteria: ICSL Variant Classification Criteria 13 December 2019. Collection method: clinical testing. Allele origin: germline.
Comment: This variant was observed as part of a predisposition screen in an ostensibly healthy population. A literature search was performed for the gene, cDNA change, and amino acid change (where applicable). No publications were found based on this search. Allele frequency data from public databases allowed determination this variant is unlikely to cause disease. Therefore, this variant is classified as likely benign.

Breakthrough Genomics
Classification: Likely benign. Review status: criteria provided, single submitter. Criteria: ACMG Guidelines, 2015. Collection method: not provided. Allele origin: germline. Inheritance: Autosomal recessive inheritance. Affected: yes.

Inherited Neuropathy Consortium
Classification: Uncertain significance. Review status: no assertion criteria provided. Collection method: literature only. Allele origin: germline. Affected: yes. Not counted in ClinVar's aggregate classification.

Literature cited by the submitters: PubMed 9678704 (cited by Illumina Laboratory Services, Illumina and Inherited Neuropathy Consortium).

NM_000304.4(PMP22):c.-141C>G

Gene: PMP22 (peripheral myelin protein 22; minus strand). Cytogenetic location: 17p12.
Variant type: single nucleotide variant.
Coding change: c.-141C>G on transcript NM_000304.4 (MANE Select); 141 bases upstream of the start codon, C replaced by G.
Molecular consequence: 5 prime UTR variant. On other transcripts: non-coding transcript variant (2).
Genome position (GRCh38, 1-based): chr17:15,265,260, G>C on the plus strand (C>G on the coding strand, the complement: PMP22 is on the minus strand). VCF-style: chr17-15265260-G-C. GRCh37 (hg19) VCF-style: chr17-15168577-G-C.
Other names: c.-137C>G (NM_001281456.2); c.-141C>G (NM_001330143.2).
Identifiers: ClinVar variation 321865 (VCV000321865.7), dbSNP rs560442424, ClinGen allele CA10649537.